The following is an entry in ClinVar:

NM_001164508.2(NEB):c.5073C>T (p.Ile1691=)

Gene: NEB (nebulin; minus strand). Cytogenetic location: 2q23.3.
Variant type: single nucleotide variant.
Coding change: c.5073C>T on transcript NM_001164508.2 (MANE Select); coding-DNA position 5073, C replaced by T.
Protein change: p.Ile1691=; no amino-acid change (isoleucine 1691 retained).
Molecular consequence: synonymous variant.
Genome position (GRCh38, 1-based): chr2:151,665,498, G>A on the plus strand (C>T on the coding strand, the complement: NEB is on the minus strand). VCF-style: chr2-151665498-G-A. GRCh37 (hg19) VCF-style: chr2-152522012-G-A.
Other names: c.5073C>T, p.Ile1691= (NM_001164507.2, NM_001271208.2, NM_004543.5).
Identifiers: ClinVar variation 508479 (VCV000508479.12), dbSNP rs190322907, ClinGen allele CA1910453.

ClinVar aggregate classification (germline): Likely benign. Review status: criteria provided, multiple submitters, no conflicts (2 of 4 stars). 2 submissions from 2 submitters: Likely benign (2). Last evaluated 2025-07-21.

Conditions:
Nemaline myopathy 2 (NEM2). Also called: Nemaline myopathy 2, autosomal recessive. Identifiers: MedGen C1850569, MONDO:0009725, OMIM 256030.

Allele frequency attached by ClinVar (database versions not stated): gnomAD exomes 0.00002 and 0.00003; ExAC 0.00004; gnomAD 0.00004; TOPMed 0.00004; 1000 Genomes Project 30x 0.00016; 1000 Genomes Project 0.00020.
gnomAD v4.1: 32 of 1,611,220 alleles (0.002%); highest among the groups gnomAD compares: Middle Eastern, 0.05%; 1 homozygote.

Submissions (2):

Labcorp Genetics (formerly Invitae), Labcorp
Classification: Likely benign for Nemaline myopathy 2. Last evaluated: 2025-07-21. Review status: criteria provided, single submitter. Criteria: Invitae Variant Classification Sherloc (09022015). Collection method: clinical testing. Allele origin: germline.

GeneDx
Classification: Likely benign. Last evaluated: 2017-05-16. Review status: criteria provided, single submitter. Criteria: GeneDx Variant Classification (06012015). Collection method: clinical testing. Allele origin: germline. Affected: yes.
Comment: This variant is considered likely benign or benign based on one or more of the following criteria: it is a conservative change, it occurs at a poorly conserved position in the protein, it is predicted to be benign by multiple in silico algorithms, and/or has population frequency not consistent with disease.